The following is an entry in ClinVar:

ClinVar aggregate classification (germline): Pathogenic (1 of 4 stars; one submission).

Submission:

Labcorp Genetics (formerly Invitae), Labcorp
Classification: Pathogenic. Last evaluated: 2024-05-20. Review status: criteria provided, single submitter. Criteria: Invitae Variant Classification Sherloc (09022015). Collection method: clinical testing. Allele origin: germline.
Comment: This sequence change creates a premature translational stop signal (p.Leu317Trpfs*9) in the GRHPR gene. While this is not anticipated to result in nonsense mediated decay, it is expected to disrupt the last 12 amino acid(s) of the GRHPR protein. This variant is not present in population databases (gnomAD no frequency). This variant has not been reported in the literature in individuals affected with GRHPR-related conditions. Algorithms developed to predict the effect of sequence changes on RNA splicing suggest that this variant may disrupt the consensus splice site. This variant disrupts a region of the GRHPR protein in which other variant(s) (p.Met322Arg) have been determined to be pathogenic (PMID: 11030416; Invitae). This suggests that this is a clinically significant region of the protein, and that variants that disrupt it are likely to be disease-causing. For these reasons, this variant has been classified as Pathogenic.

Literature cited by the submitters: PubMed 11030416.

NM_012203.2(GRHPR):c.945_948dup (p.Leu317fs)

Gene: GRHPR (glyoxylate and hydroxypyruvate reductase; plus strand). Cytogenetic location: 9p13.2.
Variant type: Microsatellite.
Coding change: c.945_948dup on transcript NM_012203.2 (MANE Select); coding-DNA positions 945 to 948, 4 bases duplicated (TGGC; older notation c.945_948dupTGGC).
Protein change: p.Leu317fs; shifts the reading frame from leucine 317.
Molecular consequence: frameshift variant.
Genome position (GRCh38, 1-based): chr9:37,436,740-37,436,743, TGGC duplicated; duplicating any 4 consecutive bases within chr9:37,436,734-37,436,743 gives the same sequence; the c. name uses the placement nearest the transcript's 3' end. VCF-style (leftmost placement, unchanged base first): chr9-37436733-T-TGCTG. GRCh37 (hg19) VCF-style: chr9-37436730-T-TGCTG.
Other names: short protein forms L317fs.
Identifiers: ClinVar variation 3653921 (VCV003653921.2).